The following is an entry in ClinVar:

NM_182643.3(DLC1):c.1250C>A (p.Thr417Asn)

Gene: DLC1 (DLC1 Rho GTPase activating protein; minus strand). Cytogenetic location: 8p22.
Variant type: single nucleotide variant.
Coding change: c.1250C>A on transcript NM_182643.3 (MANE Select); coding-DNA position 1250, C replaced by A.
Protein change: p.Thr417Asn; replaces threonine 417 with asparagine.
Molecular consequence: missense variant. On other transcripts: 5 prime UTR variant (1).
Genome position (GRCh38, 1-based): chr8:13,393,617, G>T on the plus strand (C>A on the coding strand, the complement: DLC1 is on the minus strand). VCF-style: chr8-13393617-G-T. GRCh37 (hg19) VCF-style: chr8-13251126-G-T.
Other names: c.1250C>A, p.Thr417Asn (NM_001348081.2, NM_001413124.1, NM_001413125.1 and 1 more transcripts); c.-202C>A (NM_001348082.2); short protein forms T417N.
Identifiers: ClinVar variation 3694945 (VCV003694945.2).

ClinVar aggregate classification (germline): Uncertain significance (1 of 4 stars; one submission).

gnomAD v4.1: 13 of 1,614,068 alleles (0.00081%); highest among the groups gnomAD compares: African/African-American, 0.0067%; no homozygotes.

Submission:

Labcorp Genetics (formerly Invitae), Labcorp
Classification: Uncertain significance. Last evaluated: 2024-08-12. Review status: criteria provided, single submitter. Criteria: Invitae Variant Classification Sherloc (09022015). Collection method: clinical testing. Allele origin: germline.
Comment: This sequence change replaces threonine, which is neutral and polar, with asparagine, which is neutral and polar, at codon 417 of the DLC1 protein (p.Thr417Asn). This variant is present in population databases (rs73551600, gnomAD 0.01%). This variant has not been reported in the literature in individuals affected with DLC1-related conditions. An algorithm developed to predict the effect of missense changes on protein structure and function (PolyPhen-2) suggests that this variant is likely to be tolerated. In summary, the available evidence is currently insufficient to determine the role of this variant in disease. Therefore, it has been classified as a Variant of Uncertain Significance.